The following is an entry in ClinVar:

NM_032607.3(CREB3L3):c.463T>G (p.Trp155Gly)

Gene: CREB3L3 (cAMP responsive element binding protein 3 like 3; plus strand). Cytogenetic location: 19p13.3.
Variant type: single nucleotide variant.
Coding change: c.463T>G on transcript NM_032607.3 (MANE Select); coding-DNA position 463, T replaced by G.
Protein change: p.Trp155Gly; replaces tryptophan 155 with glycine.
Molecular consequence: missense variant.
Genome position (GRCh38, 1-based): chr19:4,159,669, T>G. VCF-style: chr19-4159669-T-G. GRCh37 (hg19) VCF-style: chr19-4159666-T-G.
Other names: c.460T>G, p.Trp154Gly (NM_001271995.2); c.463T>G, p.Trp155Gly (NM_001271996.2, NM_001271997.2); short protein forms W154G, W155G.
Identifiers: ClinVar variation 1897288 (VCV001897288.5), dbSNP rs2041633096, ClinGen allele CA403402685.

ClinVar aggregate classification (germline): Uncertain significance (1 of 4 stars; one submission).

Allele frequency attached by ClinVar (database versions not stated): gnomAD exomes 0.00001.
gnomAD v4.1: 8 of 1,510,840 alleles (0.00053%); highest among the groups gnomAD compares: Non-Finnish European, 0.00074%; no homozygotes.

Submission:

Labcorp Genetics (formerly Invitae), Labcorp
Classification: Uncertain significance. Last evaluated: 2022-05-30. Review status: criteria provided, single submitter. Criteria: Invitae Variant Classification Sherloc (09022015). Collection method: clinical testing. Allele origin: germline.
Comment: In summary, the available evidence is currently insufficient to determine the role of this variant in disease. Therefore, it has been classified as a Variant of Uncertain Significance. This sequence change replaces tryptophan, which is neutral and slightly polar, with glycine, which is neutral and non-polar, at codon 155 of the CREB3L3 protein (p.Trp155Gly). This variant is not present in population databases (gnomAD no frequency). This variant has not been reported in the literature in individuals affected with CREB3L3-related conditions. Algorithms developed to predict the effect of missense changes on protein structure and function are either unavailable or do not agree on the potential impact of this missense change (SIFT: "Tolerated"; PolyPhen-2: "Possibly Damaging"; Align-GVGD: "Class C0").